The following is an entry in ClinVar:

NM_001171.6(ABCC6):c.2965G>A (p.Gly989Arg)

Gene: ABCC6 (ATP binding cassette subfamily C member 6; minus strand). Cytogenetic location: 16p13.11.
Variant type: single nucleotide variant.
Coding change: c.2965G>A on transcript NM_001171.6 (MANE Select); coding-DNA position 2965, G replaced by A.
Protein change: p.Gly989Arg; replaces glycine 989 with arginine.
Molecular consequence: missense variant. On other transcripts: non-coding transcript variant (1).
Genome position (GRCh38, 1-based): chr16:16,169,676, C>T on the plus strand (G>A on the coding strand, the complement: ABCC6 is on the minus strand). VCF-style: chr16-16169676-C-T. GRCh37 (hg19) VCF-style: chr16-16263533-C-T.
Other names: c.2623G>A, p.Gly875Arg (NM_001351800.1); short protein forms G989R, G875R.
Identifiers: ClinVar variation 451208 (VCV000451208.8), dbSNP rs529676674, ClinGen allele CA7925733.

ClinVar aggregate classification (germline): Uncertain significance. Review status: criteria provided, multiple submitters, no conflicts (2 of 4 stars). 5 submissions from 5 submitters: Uncertain significance (5). Last evaluated 2024-11-11.

Conditions:
Autosomal recessive inherited pseudoxanthoma elasticum (PXE). Identifiers: Orphanet 758, MedGen CN032334, MONDO:0009925, OMIM 264800.
Pseudoxanthoma elasticum, forme fruste. Also called: Pseudoxanthoma Elasticum, Incomplete; PSEUDOXANTHOMA ELASTICUM, HETEROZYGOUS. Identifiers: Orphanet 758, MedGen C1867450, MONDO:0008333, OMIM 177850.
Arterial calcification, generalized, of infancy, 2. Identifiers: Orphanet 51608, MedGen C3276161, MONDO:0013768, OMIM 614473.

Allele frequency attached by ClinVar (database versions not stated): gnomAD 0.00001; TOPMed 0.00001; ExAC 0.00003; gnomAD exomes 0.00003; 1000 Genomes Project 0.00020; 1000 Genomes Project 30x 0.00031.
gnomAD v4.1: 44 of 1,611,134 alleles (0.0027%); highest among the groups gnomAD compares: Admixed American, 0.0067%; no homozygotes.

Submissions (5):

Blueprint Genetics
Classification: Uncertain significance. Last evaluated: 2024-11-11. Review status: criteria provided, single submitter. Criteria: ACMG Guidelines, 2015. Collection method: clinical testing. Allele origin: germline.

Fulgent Genetics
Classification: Uncertain significance for Pseudoxanthoma elasticum, forme fruste; Autosomal recessive inherited pseudoxanthoma elasticum; Arterial calcification, generalized, of infancy, 2. Last evaluated: 2024-05-30. Review status: criteria provided, single submitter. Criteria: ACMG Guidelines, 2015. Collection method: clinical testing. Allele origin: germline.

Genomic Medicine Center of Excellence, King Faisal Specialist Hospital and Research Centre
Classification: Uncertain significance for Autosomal recessive inherited pseudoxanthoma elasticum. Last evaluated: 2024-04-04. Review status: criteria provided, single submitter. Criteria: ACMG Guidelines, 2015. Collection method: clinical testing. Allele origin: germline.

Labcorp Genetics (formerly Invitae), Labcorp
Classification: Uncertain significance. Last evaluated: 2022-02-28. Review status: criteria provided, single submitter. Criteria: Invitae Variant Classification Sherloc (09022015). Collection method: clinical testing. Allele origin: germline.
Comment: This sequence change replaces glycine, which is neutral and non-polar, with arginine, which is basic and polar, at codon 989 of the ABCC6 protein (p.Gly989Arg). This variant is present in population databases (rs529676674, gnomAD 0.005%). This variant has not been reported in the literature in individuals affected with ABCC6-related conditions. ClinVar contains an entry for this variant (Variation ID: 451208). Advanced modeling of protein sequence and biophysical properties (such as structural, functional, and spatial information, amino acid conservation, physicochemical variation, residue mobility, and thermodynamic stability) performed at Invitae indicates that this missense variant is not expected to disrupt ABCC6 protein function. Algorithms developed to predict the effect of sequence changes on RNA splicing suggest that this variant may create or strengthen a splice site. In summary, the available evidence is currently insufficient to determine the role of this variant in disease. Therefore, it has been classified as a Variant of Uncertain Significance.

GeneDx
Classification: Uncertain significance. Last evaluated: 2017-08-07. Review status: criteria provided, single submitter. Criteria: GeneDx Variant Classification (06012015). Collection method: clinical testing. Allele origin: germline. Affected: yes.
Comment: The G989R variant has not been published as a pathogenic variant, nor has it been reported as a benign variant to our knowledge. The variant is not observed at a significant frequency in large population cohorts (Lek et al., 2016; 1000 Genomes Consortium et al., 2015; Exome Variant Server). G989R is a non-conservative amino acid substitution, which is likely to impact secondary protein structure as these residues differ in polarity, charge, size and/or other properties. However, this substitution occurs at a position that is not conserved, and in silico analysis is inconsistent in its predictions as to whether or not the variant is damaging to the protein structure/function. In summary, based on the currently available information, it is unclear whether this variant is a pathogenic variant or a rare benign variant.